The following is an entry in ClinVar:

NM_000179.3(MSH6):c.1196C>A (p.Pro399His)

Gene: MSH6 (mutS homolog 6; plus strand). Cytogenetic location: 2p16.3.
Variant type: single nucleotide variant.
Coding change: c.1196C>A on transcript NM_000179.3 (MANE Select); coding-DNA position 1196, C replaced by A.
Protein change: p.Pro399His; replaces proline 399 with histidine.
Molecular consequence: missense variant.
Genome position (GRCh38, 1-based): chr2:47,799,179, C>A. VCF-style: chr2-47799179-C-A. GRCh37 (hg19) VCF-style: chr2-48026318-C-A.
Other names: c.806C>A, p.Pro269His (NM_001281492.2); c.290C>A, p.Pro97His (NM_001281493.2, NM_001281494.2, NM_001406811.1 and 6 more transcripts); c.1292C>A, p.Pro431His (NM_001406795.1, NM_001406802.1); c.1196C>A, p.Pro399His (NM_001406796.1, NM_001406798.1, NM_001406800.1 and 4 more transcripts); c.899C>A, p.Pro300His (NM_001406797.1, NM_001406801.1, NM_001406805.1 and 10 more transcripts); c.671C>A, p.Pro224His (NM_001406799.1, NM_001406806.1, NM_001406807.1); c.1118C>A, p.Pro373His (NM_001406804.1); c.1202C>A, p.Pro401His (NM_001406813.1); and 1 more; short protein forms P343H, P224H, P300H, P269H, P373H, P401H, P431H, P97H.
Identifiers: ClinVar variation 1746041 (VCV001746041.5), dbSNP rs878853701, ClinGen allele CA346743385.
Genomic context (GRCh38, chr2:47,799,179, plus strand): 5'-GAGATGAGCACAGGAGGAGGCCTGATCACCCCGATTTTGATGCATCTACACTCTATGTGC[C>A]TGAGGATTTCCTCAATTCTTGTACTCCTGGGATGAGGAAGTGGTGGCAGATTAAGTCTCA-3'
Protein context (NP_000170.1, residues 389-409): PDFDASTLYV[Pro399His]EDFLNSCTPG

ClinVar aggregate classification (germline): Uncertain significance. Review status: criteria provided, multiple submitters, no conflicts (2 of 4 stars). 2 submissions from 2 submitters: Uncertain significance (2). Last evaluated 2023-02-14.

Conditions:
Hereditary nonpolyposis colorectal neoplasms. Identifiers: MedGen C0009405, MeSH D003123.
Hereditary cancer-predisposing syndrome. Also called: Hereditary Cancer Syndrome; Neoplastic Syndromes, Hereditary; Tumor predisposition; Hereditary neoplastic syndrome. Identifiers: Orphanet 140162, MedGen C0027672, MeSH D009386, MONDO:0015356.

Submissions (2):

Labcorp Genetics (formerly Invitae), Labcorp
Classification: Uncertain significance for Hereditary nonpolyposis colorectal neoplasms. Last evaluated: 2023-02-14. Review status: criteria provided, single submitter. Criteria: Invitae Variant Classification Sherloc (09022015). Collection method: clinical testing. Allele origin: germline.
Comment: This variant has not been reported in the literature in individuals affected with MSH6-related conditions. ClinVar contains an entry for this variant (Variation ID: 1746041). Algorithms developed to predict the effect of missense changes on protein structure and function (SIFT, PolyPhen-2, Align-GVGD) all suggest that this variant is likely to be disruptive. In summary, the available evidence is currently insufficient to determine the role of this variant in disease. Therefore, it has been classified as a Variant of Uncertain Significance. This variant is not present in population databases (gnomAD no frequency). This sequence change replaces proline, which is neutral and non-polar, with histidine, which is basic and polar, at codon 399 of the MSH6 protein (p.Pro399His).

Ambry Genetics
Classification: Uncertain significance for Hereditary cancer-predisposing syndrome. Last evaluated: 2020-12-09. Review status: criteria provided, single submitter. Criteria: Ambry Variant Classification Scheme 2023. Collection method: clinical testing. Allele origin: germline.
Comment: The p.P399H variant (also known as c.1196C>A), located in coding exon 4 of the MSH6 gene, results from a C to A substitution at nucleotide position 1196. The proline at codon 399 is replaced by histidine, an amino acid with similar properties. This amino acid position is highly conserved in available vertebrate species. In addition, this alteration is predicted to be deleterious by in silico analysis. Since supporting evidence is limited at this time, the clinical significance of this alteration remains unclear.